The following is an entry in ClinVar:

ClinVar aggregate classification (germline): Uncertain significance (1 of 4 stars; one submission).

Conditions:
Inborn genetic diseases. Identifiers: MedGen C0950123, MeSH D030342.

Submission:

Ambry Genetics
Classification: Uncertain significance for Inborn genetic diseases. Last evaluated: 2025-06-25. Review status: criteria provided, single submitter. Criteria: Ambry Variant Classification Scheme 2023. Collection method: clinical testing. Allele origin: germline.
Comment: The p.F353L variant (also known as c.1059C>A), located in coding exon 8 of the RUNX1 gene, results from a C to A substitution at nucleotide position 1059. The phenylalanine at codon 353 is replaced by leucine, an amino acid with highly similar properties. This amino acid position is conserved. In addition, this alteration is predicted to be deleterious by in silico analysis. Based on the available evidence, the clinical significance of this variant remains unclear.

NM_001754.5(RUNX1):c.1059C>A (p.Phe353Leu)

Gene: RUNX1 (RUNX family transcription factor 1; minus strand). Cytogenetic location: 21q22.12.
Variant type: single nucleotide variant.
Coding change: c.1059C>A on transcript NM_001754.5 (MANE Select); coding-DNA position 1059, C replaced by A.
Protein change: p.Phe353Leu; replaces phenylalanine 353 with leucine.
Molecular consequence: missense variant.
Genome position (GRCh38, 1-based): chr21:34,792,519, G>T on the plus strand (C>A on the coding strand, the complement: RUNX1 is on the minus strand). VCF-style: chr21-34792519-G-T. GRCh37 (hg19) VCF-style: chr21-36164816-G-T.
Other names: c.978C>A, p.Phe326Leu (NM_001001890.3); short protein forms F353L, F326L.
Identifiers: ClinVar variation 4158189 (VCV004158189.1).